The following is an entry in ClinVar:

ClinVar aggregate classification (germline): Likely benign. Review status: criteria provided, multiple submitters, no conflicts (2 of 4 stars). 2 submissions from 2 submitters: Likely benign (2). Last evaluated 2013-08-30.

Allele frequency attached by ClinVar (database versions not stated): TOPMed below 0.00001.
gnomAD v4.1: 14 of 1,602,564 alleles (0.00087%); highest among the groups gnomAD compares: Middle Eastern, 0.2%; no homozygotes.

Submissions (2):

Laboratory for Molecular Medicine, Mass General Brigham Personalized Medicine
Classification: Likely benign. Last evaluated: 2013-08-30. Review status: criteria provided, single submitter. Criteria: LMM Criteria. Collection method: clinical testing. Allele origin: germline. Observed: 2 variant alleles.
Comment: Ala2311Glu in Exon 33 of MYO15A: This variant is not expected to have clinical significance because the alanine (Ala) amino acid residue at position 2311 is no t conserved, with wallaby and opossum having a glutamic acid (Glu).

Breakthrough Genomics
Classification: Likely benign. Review status: criteria provided, single submitter. Criteria: ACMG Guidelines, 2015. Collection method: not provided. Allele origin: germline. Inheritance: Autosomal recessive inheritance. Affected: yes.

NM_016239.4(MYO15A):c.6932C>A (p.Ala2311Glu)

Gene: MYO15A (myosin XVA; plus strand). Cytogenetic location: 17p11.2.
Variant type: single nucleotide variant.
Coding change: c.6932C>A on transcript NM_016239.4 (MANE Select); coding-DNA position 6932, C replaced by A.
Protein change: p.Ala2311Glu; replaces alanine 2311 with glutamic acid.
Molecular consequence: missense variant.
Genome position (GRCh38, 1-based): chr17:18,148,928, C>A. VCF-style: chr17-18148928-C-A. GRCh37 (hg19) VCF-style: chr17-18052242-C-A.
Other names: short protein forms A2311E.
Identifiers: ClinVar variation 164545 (VCV000164545.5), dbSNP rs727503314, ClinGen allele CA177243.